The following is an entry in ClinVar:

NM_020461.4(TUBGCP6):c.4129_4130dup (p.Glu1378fs)

Gene: TUBGCP6 (tubulin gamma complex component 6; minus strand). Cytogenetic location: 22q13.33.
Variant type: Microsatellite.
Coding change: c.4129_4130dup on transcript NM_020461.4 (MANE Select); coding-DNA positions 4129 to 4130, 2 bases duplicated (AC; older notation c.4129_4130dupAC).
Protein change: p.Glu1378fs; shifts the reading frame from glutamic acid 1378.
Molecular consequence: frameshift variant.
Genome position (GRCh38, 1-based): chr22:50,219,994-50,219,995, GT duplicated on the plus strand (AC on the coding strand, the reverse complement: TUBGCP6 is on the minus strand); duplicating any 2 consecutive bases within chr22:50,219,994-50,219,997 gives the same sequence; the c. name uses the placement nearest the transcript's 3' end. VCF-style (leftmost placement, unchanged base first): chr22-50219993-A-AGT. GRCh37 (hg19) VCF-style: chr22-50658422-A-AGT.
Other names: short protein forms E1378fs.
Identifiers: ClinVar variation 858083 (VCV000858083.7), dbSNP rs946708699, ClinGen allele CA325511269.

ClinVar aggregate classification (germline): Pathogenic (1 of 4 stars; one submission).

Submission:

Labcorp Genetics (formerly Invitae), Labcorp
Classification: Pathogenic. Last evaluated: 2025-11-27. Review status: criteria provided, single submitter. Criteria: Invitae Variant Classification Sherloc (09022015). Collection method: clinical testing. Allele origin: germline.
Comment: This sequence change creates a premature translational stop signal (p.Glu1378Leufs*98) in the TUBGCP6 gene. It is expected to result in an absent or disrupted protein product. Loss-of-function variants in TUBGCP6 are known to be pathogenic (PMID: 25344692). This variant is present in population databases (no rsID available, gnomAD 0.003%). This variant has not been reported in the literature in individuals affected with TUBGCP6-related conditions. ClinVar contains an entry for this variant (Variation ID: 858083). For these reasons, this variant has been classified as Pathogenic.

Literature cited by the submitters: PubMed 25344692.